The following is an entry in ClinVar:

ClinVar aggregate classification (germline): Benign/Likely benign. Review status: criteria provided, multiple submitters, no conflicts (2 of 4 stars). 5 submissions from 5 submitters: Benign (1); Likely benign (4). Last evaluated 2025-11-09.

Conditions:
Familial cancer of breast. Also called: hereditary breast carcinoma; Hereditary breast cancer; BREAST CANCER, FAMILIAL. Identifiers: Orphanet 227535, MedGen C0346153, MONDO:0016419, OMIM 114480. Disease mechanism: loss of function.
Hereditary cancer-predisposing syndrome. Also called: Hereditary Cancer Syndrome; Hereditary neoplastic syndrome; Neoplastic Syndromes, Hereditary; Tumor predisposition. Identifiers: Orphanet 140162, MedGen C0027672, MeSH D009386, MONDO:0015356.

Allele frequency attached by ClinVar (database versions not stated): gnomAD exomes below 0.00001.

Submissions (5):

Labcorp Genetics (formerly Invitae), Labcorp
Classification: Likely benign for Familial cancer of breast. Last evaluated: 2025-11-09. Review status: criteria provided, single submitter. Criteria: Invitae Variant Classification Sherloc (09022015). Collection method: clinical testing. Allele origin: germline.

Myriad Genetics, Inc.
Classification: Benign for Familial cancer of breast. Last evaluated: 2024-10-01. Review status: criteria provided, single submitter. Criteria: Myriad Autosomal Dominant, Autosomal Recessive and X-Linked Classification Criteria (2023). Collection method: clinical testing. Allele origin: unknown.
Comment: This variant is considered benign. This variant is a silent/synonymous amino acid change and it is not expected to impact splicing.

Color Diagnostics, LLC DBA Color Health
Classification: Likely benign for Hereditary cancer-predisposing syndrome. Last evaluated: 2024-09-17. Review status: criteria provided, single submitter. Criteria: ACMG Guidelines, 2015. Collection method: clinical testing. Allele origin: germline.

Ambry Genetics
Classification: Likely benign for Hereditary cancer-predisposing syndrome. Last evaluated: 2021-07-23. Review status: criteria provided, single submitter. Criteria: Ambry Variant Classification Scheme 2023. Collection method: clinical testing. Allele origin: germline.

GeneDx
Classification: Likely benign. Last evaluated: 2016-01-13. Review status: criteria provided, single submitter. Criteria: GeneDx Variant Classification (06012015). Collection method: clinical testing. Allele origin: germline. Affected: yes.
Comment: This variant is considered likely benign or benign based on one or more of the following criteria: it is a conservative change, it occurs at a poorly conserved position in the protein, it is predicted to be benign by multiple in silico algorithms, and/or has population frequency not consistent with disease.

NM_007194.4(CHEK2):c.105C>T (p.Ser35=)

Gene: CHEK2 (checkpoint kinase 2; minus strand). Cytogenetic location: 22q12.1.
Variant type: single nucleotide variant.
Coding change: c.105C>T on transcript NM_007194.4 (MANE Select); coding-DNA position 105, C replaced by T.
Protein change: p.Ser35=; no amino-acid change (serine 35 retained).
Molecular consequence: synonymous variant.
Genome position (GRCh38, 1-based): chr22:28,734,617, G>A on the plus strand (C>T on the coding strand, the complement: CHEK2 is on the minus strand). VCF-style: chr22-28734617-G-A. GRCh37 (hg19) VCF-style: chr22-29130605-G-A.
Other names: c.105C>T, p.Ser35= (NM_001005735.3, NM_001349956.3, NM_145862.3); c.-673C>T (NM_001257387.3).
Identifiers: ClinVar variation 383176 (VCV000383176.14), dbSNP rs1057521541, ClinGen allele CA16609091.